The following is an entry in ClinVar:

NM_001035.3(RYR2):c.8448C>T (p.Asp2816=)

Gene: RYR2 (ryanodine receptor 2; plus strand). Cytogenetic location: 1q43.
Variant type: single nucleotide variant.
Coding change: c.8448C>T on transcript NM_001035.3 (MANE Select); coding-DNA position 8448, C replaced by T.
Protein change: p.Asp2816=; no amino-acid change (aspartic acid 2816 retained).
Molecular consequence: synonymous variant.
Genome position (GRCh38, 1-based): chr1:237,666,523, C>T. VCF-style: chr1-237666523-C-T. GRCh37 (hg19) VCF-style: chr1-237829823-C-T.
Other names: p.Asp2816=.
Identifiers: ClinVar variation 43833 (VCV000043833.52), dbSNP rs144876996, ClinGen allele CA011027.

ClinVar aggregate classification (germline): Benign/Likely benign. Review status: criteria provided, multiple submitters, no conflicts (2 of 4 stars). 20 submissions from 19 submitters: Benign (15); Likely benign (1). 4 of the submissions do not count toward it. Last evaluated 2026-02-03.

Conditions:
Cardiovascular phenotype. Identifiers: MedGen CN230736.
Catecholaminergic polymorphic ventricular tachycardia 1. Also called: VENTRICULAR TACHYCARDIA, CATECHOLAMINERGIC POLYMORPHIC, 1, WITH OR WITHOUT ATRIAL DYSFUNCTION AND/OR DILATED CARDIOMYOPATHY; VENTRICULAR TACHYCARDIA, STRESS-INDUCED POLYMORPHIC 1; RYR2-Related Catecholaminergic Polymorphic Ventricular Tachycardia. Identifiers: Orphanet 3286, MedGen C1631597, MONDO:0011484, OMIM 604772.
Cardiomyopathy (CMYO). Also called: Cardiomyopathies. Identifiers: Orphanet 167848, MedGen C0878544, MONDO:0004994, HP:0001638. Inheritance: Various modes of inheritance.
Arrhythmogenic right ventricular dysplasia 2. Identifiers: MedGen C1832931.
Catecholaminergic polymorphic ventricular tachycardia (CVPT). Also called: Catecholamine-induced polymorphic ventricular tachycardia. Identifiers: Orphanet 3286, MedGen C5574922, MONDO:0017990.

Allele frequency attached by ClinVar (database versions not stated): ESP Exome Variant Server 0.00579; gnomAD 0.00659 and 0.00670; 1000 Genomes Project 0.00699; gnomAD exomes 0.00824 and 0.01063; TOPMed 0.00849; 1000 Genomes Project 30x 0.00921; ExAC 0.01134.
gnomAD v4.1: 12,996 of 1,611,546 alleles (0.81%); highest among the groups gnomAD compares: Admixed American, 3.4%; 116 homozygotes.

Submissions (20):

Labcorp Genetics (formerly Invitae), Labcorp
Classification: Benign for Catecholaminergic polymorphic ventricular tachycardia 1. Last evaluated: 2026-02-03. Review status: criteria provided, single submitter. Criteria: Invitae Variant Classification Sherloc (09022015). Collection method: clinical testing. Allele origin: germline.

ARUP Laboratories, Molecular Genetics and Genomics, ARUP Laboratories
Classification: Benign. Last evaluated: 2025-07-03. Review status: criteria provided, single submitter. Criteria: ARUP Molecular Germline Variant Investigation Process 2024. Collection method: clinical testing. Allele origin: germline.

Molecular Diagnostic Laboratory for Inherited Cardiovascular Disease, Montreal Heart Institute
Classification: Benign. Last evaluated: 2025-04-09. Review status: criteria provided, single submitter. Criteria: ACMG Guidelines, 2015. Collection method: clinical testing. Allele origin: germline. Affected: no.

Blueprint Genetics
Classification: Likely benign. Last evaluated: 2024-11-26. Review status: criteria provided, single submitter. Criteria: ACMG Guidelines, 2015. Collection method: clinical testing. Allele origin: germline.

All of Us Research Program, National Institutes of Health
Classification: Benign for Catecholaminergic polymorphic ventricular tachycardia. Last evaluated: 2024-02-05. Review status: criteria provided, single submitter. Criteria: ACMG Guidelines, 2015. Collection method: clinical testing. Allele origin: germline. Inheritance: Autosomal dominant inheritance. Observed: 2,113 variant alleles, 2,087 heterozygotes, 26 homozygotes.
Comment: This study involves interpretation of variants in research participants for the purpose of population health screening. Participant phenotype was not available at the time of variant classification. Additional details can be found in publication PMID: 35346344, PMCID: PMC8962531

Color Diagnostics, LLC DBA Color Health
Classification: Benign for Cardiomyopathy. Last evaluated: 2018-03-15. Review status: criteria provided, single submitter. Criteria: ACMG Guidelines, 2015. Collection method: clinical testing. Allele origin: germline.

Illumina Laboratory Services, Illumina
Classification: Benign for Catecholaminergic polymorphic ventricular tachycardia 1. Last evaluated: 2018-01-13. Review status: criteria provided, single submitter. Criteria: ICSL Variant Classification Criteria 13 December 2019. Collection method: clinical testing. Allele origin: germline.
Comment: This variant was observed in the ICSL laboratory as part of a predisposition screen in an ostensibly healthy population. It had not been previously curated by ICSL or reported in the Human Gene Mutation Database (HGMD: prior to June 1st, 2018), and was therefore a candidate for classification through an automated scoring system. Utilizing variant allele frequency, disease prevalence and penetrance estimates, and inheritance mode, an automated score was calculated to assess if this variant is too frequent to cause the disease. Based on the score and internal cut-off values, a variant classified as benign is not then subjected to further curation. The score for this variant resulted in a classification of benign for this disease.

Illumina Laboratory Services, Illumina
Classification: Benign for Catecholaminergic polymorphic ventricular tachycardia 1. Last evaluated: 2018-01-13. Review status: criteria provided, single submitter. Criteria: ICSL Variant Classification Criteria 13 December 2019. Collection method: clinical testing. Allele origin: germline.
Comment: the same text as in the submission from Illumina Laboratory Services, Illumina above.

CHEO Genetics Diagnostic Laboratory, Children's Hospital of Eastern Ontario
Classification: Benign for Cardiomyopathy. Last evaluated: 2015-11-16. Review status: criteria provided, single submitter. Criteria: ACMG Guidelines, 2015. Collection method: clinical testing. Allele origin: germline. Study: Canadian Open Genetics Repository.

Ambry Genetics
Classification: Benign for Cardiovascular phenotype. Last evaluated: 2015-08-07. Review status: criteria provided, single submitter. Criteria: Ambry Variant Classification Scheme 2023. Collection method: clinical testing. Allele origin: germline.

Mayo Clinic Laboratories, Mayo Clinic
Classification: Benign. Last evaluated: 2015-07-31. Review status: criteria provided, single submitter. Criteria: ACMG Guidelines, 2015. Collection method: clinical testing. Allele origin: germline. Observed: 21 variant alleles.

GeneDx
Classification: Benign. Last evaluated: 2015-03-03. Review status: criteria provided, single submitter. Criteria: GeneDx Variant Classification Process June 2021. Collection method: clinical testing. Allele origin: germline. Affected: yes.

Eurofins Ntd Llc (ga)
Classification: Benign. Last evaluated: 2013-09-04. Review status: criteria provided, single submitter. Criteria: EGL Classification Definitions 2015. Collection method: clinical testing. Allele origin: germline. Observed: 3 variant alleles, 3 heterozygotes.

Laboratory for Molecular Medicine, Mass General Brigham Personalized Medicine
Classification: Benign. Last evaluated: 2012-04-17. Review status: criteria provided, single submitter. Criteria: LMM Criteria. Collection method: clinical testing. Allele origin: germline. Observed: 32 variant alleles.
Comment: Asp2816Asp in Exon 57 of RYR2: This variant is not expected to have clinical sig nificance because it does not alter an amino acid residue, is not located within the splice consensus sequence and has been identified in 0.8% (54/6602) of Euro pean American chromosomes from a broad population by the NHLBI Exome Sequencing Project (dbSNP rs144876996).

Breakthrough Genomics
Classification: Benign. Review status: criteria provided, single submitter. Criteria: ACMG Guidelines, 2015. Collection method: not provided. Allele origin: germline. Inheritance: Autosomal dominant inheritance. Affected: yes.

PreventionGenetics, part of Exact Sciences
Classification: Benign. Review status: criteria provided, single submitter. Criteria: ACMG Guidelines, 2015. Collection method: clinical testing. Allele origin: germline.

Clinical Genetics DNA and cytogenetics Diagnostics Lab, Erasmus MC, Erasmus Medical Center
Classification: Benign. Review status: no assertion criteria provided. Collection method: clinical testing. Allele origin: germline. Affected: yes. Study: VKGL Data-share Consensus. Not counted in ClinVar's aggregate classification.

Clinical Genetics, Academic Medical Center
Classification: Benign. Review status: no assertion criteria provided. Collection method: clinical testing. Allele origin: germline. Affected: yes. Study: VKGL Data-share Consensus. Not counted in ClinVar's aggregate classification.

Diagnostic Laboratory, Department of Genetics, University Medical Center Groningen
Classification: Likely benign. Review status: no assertion criteria provided. Collection method: clinical testing. Allele origin: germline. Affected: yes. Study: VKGL Data-share Consensus. Not counted in ClinVar's aggregate classification.

Joint Genome Diagnostic Labs from Nijmegen and Maastricht, Radboudumc and MUMC+
Classification: Benign. Review status: no assertion criteria provided. Collection method: clinical testing. Allele origin: germline. Affected: yes. Study: VKGL Data-share Consensus. Not counted in ClinVar's aggregate classification.